The following is an entry in ClinVar:

NM_000268.4(NF2):c.764_766del (p.Ser255del)

Gene: NF2 (NF2, moesin-ezrin-radixin like (MERLIN) tumor suppressor; plus strand). Cytogenetic location: 22q12.2.
Variant type: Deletion.
Coding change: c.764_766del on transcript NM_000268.4 (MANE Select); coding-DNA positions 764 to 766, 3 bases deleted (CCT; older notation c.764_766delCCT).
Protein change: p.Ser255del; deletes serine 255.
Molecular consequence: inframe deletion. On other transcripts: non-coding transcript variant (1), intron variant (4).
Genome position (GRCh38, 1-based): chr22:29,661,293-29,661,295, CCT deleted; deleting any 3 consecutive bases within chr22:29,661,291-29,661,295 gives the same sequence; the c. name uses the placement nearest the transcript's 3' end. VCF-style (leftmost placement, unchanged base first): chr22-29661290-TCTC-T. GRCh37 (hg19) VCF-style: chr22-30057279-TCTC-T.
Other names: c.650_652del, p.Ser217del (NM_001407053.1, NM_001407056.1); c.641_643del, p.Ser214del (NM_001407054.1, NM_001407058.1, NM_181829.3); c.638_640del, p.Ser213del (NM_001407055.1, NM_181828.3); c.764_766del, p.Ser255del (NM_001407060.1, NM_001407066.1, NM_016418.5 and 2 more transcripts); c.515_517del, p.Ser172del (NM_001407063.1, NM_001407064.1, NM_181830.3 and 1 more transcripts); c.230_232del, p.Ser77del (NM_001407065.1); c.533_535del, p.Ser178del (NM_001407067.1); c.675+3029_675+3031del (NM_001407059.1, NM_001407057.1); and 2 more; short protein forms S77del, S172del, S214del, S255del, S217del, S178del, S213del.
Identifiers: ClinVar variation 2587702 (VCV002587702.2), dbSNP rs2518598261, ClinGen allele CA2582342819.

ClinVar aggregate classification (germline): Uncertain significance (1 of 4 stars; one submission).

Conditions:
Hereditary cancer-predisposing syndrome. Also called: Tumor predisposition; Hereditary Cancer Syndrome; Hereditary neoplastic syndrome; Neoplastic Syndromes, Hereditary. Identifiers: Orphanet 140162, MedGen C0027672, MeSH D009386, MONDO:0015356.

Submission:

Ambry Genetics
Classification: Uncertain significance for Hereditary cancer-predisposing syndrome. Last evaluated: 2023-08-04. Review status: criteria provided, single submitter. Criteria: Ambry Variant Classification Scheme 2023. Collection method: clinical testing. Allele origin: germline.
Comment: The c.764_766delCCT variant (also known as p.S255del) is located in coding exon 8 of the NF2 gene. This variant results from an in-frame CCT deletion at nucleotide positions 764 to 766. This results in the in-frame deletion of a serine at codon 255. This amino acid position is highly conserved in available vertebrate species. In addition, this alteration is predicted to be deleterious by in silico analysis (Choi Y et al. PLoS ONE. 2012; 7(10):e46688). Since supporting evidence is limited at this time, the clinical significance of this alteration remains unclear.